The following is an entry in ClinVar:

NM_015602.4(TOR1AIP1):c.677A>G (p.Asp226Gly)

Gene: TOR1AIP1 (torsin 1A interacting protein 1; plus strand). Cytogenetic location: 1q25.2.
Variant type: single nucleotide variant.
Coding change: c.677A>G on transcript NM_015602.4 (MANE Select); coding-DNA position 677, A replaced by G.
Protein change: p.Asp226Gly; replaces aspartic acid 226 with glycine.
Molecular consequence: missense variant.
Genome position (GRCh38, 1-based): chr1:179,901,326, A>G. VCF-style: chr1-179901326-A-G. GRCh37 (hg19) VCF-style: chr1-179870461-A-G.
Other names: c.680A>G, p.Asp227Gly (NM_001267578.2); short protein forms D226G, D227G.
Identifiers: ClinVar variation 4741290 (VCV004741290.1).

ClinVar aggregate classification (germline): Uncertain significance (1 of 4 stars; one submission).

Conditions:
Autosomal recessive limb-girdle muscular dystrophy type 2Y (MRRSDC). Also called: Muscular dystrophy, autosomal recessive, with rigid spine and distal joint contractures; Muscular dystrophy, limb-girdle, type 2y. Identifiers: Orphanet 424261, MedGen C4511482, MONDO:0014900, OMIM 617072.

gnomAD v4.1: 1 of 1,611,356 alleles (0.000062%); highest among the groups gnomAD compares: Middle Eastern, 0.017%; no homozygotes.

Submission:

Labcorp Genetics (formerly Invitae), Labcorp
Classification: Uncertain significance for Autosomal recessive limb-girdle muscular dystrophy type 2Y. Last evaluated: 2026-01-14. Review status: criteria provided, single submitter. Criteria: Invitae Variant Classification Sherloc (09022015). Collection method: clinical testing. Allele origin: germline.
Comment: This sequence change replaces aspartic acid, which is acidic and polar, with glycine, which is neutral and non-polar, at codon 227 of the TOR1AIP1 protein (p.Asp227Gly). This variant is present in population databases (no rsID available, gnomAD 0.0009%). This variant has not been reported in the literature in individuals affected with TOR1AIP1-related conditions. Invitae Evidence Modeling of protein sequence and biophysical properties (such as structural, functional, and spatial information, amino acid conservation, physicochemical variation, residue mobility, and thermodynamic stability) indicates that this missense variant is not expected to disrupt TOR1AIP1 protein function with a negative predictive value of 80%. In summary, the available evidence is currently insufficient to determine the role of this variant in disease. Therefore, it has been classified as a Variant of Uncertain Significance.